The following is an entry in ClinVar:

NM_001040142.2(SCN2A):c.644C>T (p.Ala215Val)

Gene: SCN2A (sodium voltage-gated channel alpha subunit 2; plus strand). Cytogenetic location: 2q24.3.
Variant type: single nucleotide variant.
Coding change: c.644C>T on transcript NM_001040142.2 (MANE Select); coding-DNA position 644, C replaced by T.
Protein change: p.Ala215Val; replaces alanine 215 with valine.
Molecular consequence: missense variant. On other transcripts: intron variant (2).
Genome position (GRCh38, 1-based): chr2:165,309,390, C>T. VCF-style: chr2-165309390-C-T. GRCh37 (hg19) VCF-style: chr2-166165900-C-T.
Other names: c.644C>T (NM_021007.2); c.644C>T, p.Ala215Val (NM_001371247.1, NM_021007.3); c.697+134C>T (NM_001040143.2, NM_001371246.1); short protein forms A215V.
Identifiers: ClinVar variation 2417887 (VCV002417887.12), dbSNP rs149024364, ClinGen allele CA1939669.
Genomic context (GRCh38, chr2:165,309,390, plus strand): 5'-GTGTGTGAACCCCCTATTACAGATATGTGACAGAGTTTGTGGACCTGGGCAATGTCTCAG[C>T]GTTGAGAACATTCAGAGTTCTCCGAGCATTGAAAACAATTTCAGTCATTCCAGGTGAGAG-3'
Protein context (NP_001035232.1, residues 205-225): TEFVDLGNVS[Ala215Val]LRTFRVLRAL

ClinVar aggregate classification (germline): Conflicting classifications of pathogenicity. Review status: criteria provided, conflicting classifications (1 of 4 stars). 4 submissions from 4 submitters: Likely pathogenic (1); Uncertain significance (3). Last evaluated 2026-01-22.

Conditions:
Developmental and epileptic encephalopathy, 11 (DEE11). Also called: Early infantile epileptic encephalopathy 11. Identifiers: Orphanet 1934, MedGen C3150987, MONDO:0013388, OMIM 613721.
Inborn genetic diseases. Identifiers: MedGen C0950123, MeSH D030342.
Seizures, benign familial infantile, 3 (BFIS3). Also called: CONVULSIONS, BENIGN FAMILIAL INFANTILE, 3; Familial neonatal seizures. Identifiers: Orphanet 140927, Orphanet 306, MedGen C1843140, MONDO:0011904, OMIM 607745.

Allele frequency attached by ClinVar (database versions not stated): 1000 Genomes Project 0.00020; gnomAD 0.00001; ExAC 0.00002; 1000 Genomes Project 30x 0.00016; gnomAD exomes below 0.00001.
gnomAD v4.1: 3 of 1,613,646 alleles (0.00019%); highest among the groups gnomAD compares: East Asian, 0.0022%; no homozygotes.

Submissions (4):

GeneDx
Classification: Uncertain significance. Last evaluated: 2026-01-22. Review status: criteria provided, single submitter. Criteria: GeneDx Variant Classification Process June 2021. Collection method: clinical testing. Allele origin: germline.
Comment: Reported in the published literature in a patient with a nonspecific neurodevelopmental disorder (PMID: 31144778); In silico analysis supports that this missense variant has a deleterious effect on protein structure/function; This variant is associated with the following publications: (PMID: 31209962, 31144778)

Labcorp Genetics (formerly Invitae), Labcorp
Classification: Uncertain significance for Seizures, benign familial infantile, 3; Developmental and epileptic encephalopathy, 11. Last evaluated: 2025-07-30. Review status: criteria provided, single submitter. Criteria: Invitae Variant Classification Sherloc (09022015). Collection method: clinical testing. Allele origin: germline.
Comment: This sequence change replaces alanine, which is neutral and non-polar, with valine, which is neutral and non-polar, at codon 215 of the SCN2A protein (p.Ala215Val). This variant is present in population databases (rs149024364, gnomAD no frequency). This missense change has been observed in individual(s) with clinical features of SCN2A-related conditions (PMID: 31144778). ClinVar contains an entry for this variant (Variation ID: 2417887). Invitae Evidence Modeling of protein sequence and biophysical properties (such as structural, functional, and spatial information, amino acid conservation, physicochemical variation, residue mobility, and thermodynamic stability) has been performed for this missense variant. However, the output from this modeling did not meet the statistical confidence thresholds required to predict the impact of this variant on SCN2A protein function. This variant disrupts the p.Ala215 amino acid residue in SCN2A. Other variant(s) that disrupt this residue have been determined to be pathogenic (PMID: 34874093). This suggests that this residue is clinically significant, and that variants that disrupt this residue are likely to be disease-causing. In summary, the available evidence is currently insufficient to determine the role of this variant in disease. Therefore, it has been classified as a Variant of Uncertain Significance.

Ambry Genetics
Classification: Uncertain significance for Inborn genetic diseases. Last evaluated: 2025-05-13. Review status: criteria provided, single submitter. Criteria: Ambry Variant Classification Scheme 2023. Collection method: clinical testing. Allele origin: germline.

3billion
Classification: Likely pathogenic for Developmental and epileptic encephalopathy, 11. Last evaluated: 2025-02-27. Review status: criteria provided, single submitter. Criteria: ACMG Guidelines, 2015. Collection method: clinical testing. Allele origin: germline. Affected: yes.
Comment: The variant is observed at an extremely low frequency in the gnomAD v4.1.0 dataset (total allele frequency: <0.001%). Predicted Consequence/Location: The variant is located in a mutational hot spot and/or well-established functional domain in which established pathogenic variants have been reported. In silico tool predictions suggest damaging effect of the variant on gene or gene product [REVEL: 0.72 (>=0.6, sensitivity 0.68 and specificity 0.92); 3Cnet: 1.00 (> 0.75, sensitivity 0.96 and precision 0.92)]. Different missense changes at the same codon (p.Ala215Glu, p.Ala215Pro, p.Ala215Thr) have been reported as pathogenic/likely pathogenic with strong evidence (ClinVar ID: VCV000430366, VCV001690637 /PMID: 29655203, 34874093). Therefore, this variant is classified as Likely pathogenic according to the recommendation of ACMG/AMP guideline.

Literature cited by the submitters: PubMed 31144778 (cited by Labcorp Genetics (formerly Invitae), Labcorp and Ambry Genetics); PubMed 34874093 (cited by Labcorp Genetics (formerly Invitae), Labcorp); PubMed 31209962 (cited by Ambry Genetics); PubMed 29655203 (cited by 3billion).